The following is an entry in ClinVar:

NM_031935.3(HMCN1):c.2819G>A (p.Arg940His)

Gene: HMCN1 (hemicentin 1; plus strand). Cytogenetic location: 1q31.1.
Variant type: single nucleotide variant.
Coding change: c.2819G>A on transcript NM_031935.3 (MANE Select); coding-DNA position 2819, G replaced by A.
Protein change: p.Arg940His; replaces arginine 940 with histidine.
Molecular consequence: missense variant.
Genome position (GRCh38, 1-based): chr1:185,984,197, G>A. VCF-style: chr1-185984197-G-A. GRCh37 (hg19) VCF-style: chr1-185953329-G-A.
Other names: short protein forms R940H.
Identifiers: ClinVar variation 1349826 (VCV001349826.6), dbSNP rs112809015, ClinGen allele CA1291541.

ClinVar aggregate classification (germline): Uncertain significance (1 of 4 stars; one submission).

Allele frequency attached by ClinVar (database versions not stated): ExAC 0.00002; gnomAD 0.00003 and 0.00005; gnomAD exomes 0.00004; ESP Exome Variant Server 0.00008; TOPMed 0.00009.
gnomAD v4.1: 78 of 1,610,792 alleles (0.0048%); highest among the groups gnomAD compares: African/African-American, 0.023%; no homozygotes.

Submission:

Labcorp Genetics (formerly Invitae), Labcorp
Classification: Uncertain significance. Last evaluated: 2025-09-24. Review status: criteria provided, single submitter. Criteria: Invitae Variant Classification Sherloc (09022015). Collection method: clinical testing. Allele origin: germline.
Comment: This sequence change replaces arginine, which is basic and polar, with histidine, which is basic and polar, at codon 940 of the HMCN1 protein (p.Arg940His). This variant is present in population databases (rs112809015, gnomAD 0.03%). This variant has not been reported in the literature in individuals affected with HMCN1-related conditions. ClinVar contains an entry for this variant (Variation ID: 1349826). An algorithm developed to predict the effect of missense changes on protein structure and function (PolyPhen-2) suggests that this variant is likely to be disruptive. In summary, the available evidence is currently insufficient to determine the role of this variant in disease. Therefore, it has been classified as a Variant of Uncertain Significance.